The following is an entry in ClinVar:

NM_006231.4(POLE):c.4675A>G (p.Thr1559Ala)

Gene: POLE (DNA polymerase epsilon, catalytic subunit; minus strand). Cytogenetic location: 12q24.33.
Variant type: single nucleotide variant.
Coding change: c.4675A>G on transcript NM_006231.4 (MANE Select); coding-DNA position 4675, A replaced by G.
Protein change: p.Thr1559Ala; replaces threonine 1559 with alanine.
Molecular consequence: missense variant.
Genome position (GRCh38, 1-based): chr12:132,642,873, T>C on the plus strand (A>G on the coding strand, the complement: POLE is on the minus strand). VCF-style: chr12-132642873-T-C. GRCh37 (hg19) VCF-style: chr12-133219459-T-C.
Other names: c.4675A>G (NM_006231.2); short protein forms T1559A.
Identifiers: ClinVar variation 1043631 (VCV001043631.9), dbSNP rs2042182373, ClinGen allele CA387378857.

ClinVar aggregate classification (germline): Uncertain significance. Review status: criteria provided, multiple submitters, no conflicts (2 of 4 stars). 2 submissions from 2 submitters: Uncertain significance (2). Last evaluated 2026-06-09.

Conditions:
Hereditary cancer-predisposing syndrome. Also called: Hereditary neoplastic syndrome; Neoplastic Syndromes, Hereditary; Tumor predisposition; Hereditary Cancer Syndrome. Identifiers: Orphanet 140162, MedGen C0027672, MeSH D009386, MONDO:0015356.

Submissions (2):

Ambry Genetics
Classification: Uncertain significance for Hereditary cancer-predisposing syndrome. Last evaluated: 2026-06-09. Review status: criteria provided, single submitter. Criteria: Ambry Variant Classification Scheme 2023. Collection method: clinical testing. Allele origin: germline.
Comment: The p.T1559A variant (also known as c.4675A>G), located in coding exon 36 of the POLE gene, results from an A to G substitution at nucleotide position 4675. The threonine at codon 1559 is replaced by alanine, an amino acid with similar properties. This amino acid position is conserved. In addition, this alteration is predicted to be tolerated by in silico analysis. Based on the available evidence, the clinical significance of this variant remains unclear.

Labcorp Genetics (formerly Invitae), Labcorp
Classification: Uncertain significance. Last evaluated: 2024-02-13. Review status: criteria provided, single submitter. Criteria: Invitae Variant Classification Sherloc (09022015). Collection method: clinical testing. Allele origin: germline.
Comment: This sequence change replaces threonine, which is neutral and polar, with alanine, which is neutral and non-polar, at codon 1559 of the POLE protein (p.Thr1559Ala). This variant is not present in population databases (gnomAD no frequency). This variant has not been reported in the literature in individuals affected with POLE-related conditions. ClinVar contains an entry for this variant (Variation ID: 1043631). Advanced modeling of protein sequence and biophysical properties (such as structural, functional, and spatial information, amino acid conservation, physicochemical variation, residue mobility, and thermodynamic stability) performed at Invitae indicates that this missense variant is not expected to disrupt POLE protein function with a negative predictive value of 80%. In summary, the available evidence is currently insufficient to determine the role of this variant in disease. Therefore, it has been classified as a Variant of Uncertain Significance.